The following is an entry in ClinVar:

ClinVar aggregate classification (germline): Uncertain significance. Review status: criteria provided, multiple submitters, no conflicts (2 of 4 stars). 5 submissions from 5 submitters: Uncertain significance (5). Last evaluated 2026-01-19.

Conditions:
Neuroblastoma, susceptibility to, 3. Also called: ALK-Related Neuroblastic Tumor Susceptibility. Identifiers: Orphanet 635, MedGen C2751681, MONDO:0013083, OMIM 613014.
Hereditary cancer-predisposing syndrome. Also called: Neoplastic Syndromes, Hereditary; Hereditary Cancer Syndrome; Tumor predisposition; Hereditary neoplastic syndrome. Identifiers: Orphanet 140162, MedGen C0027672, MeSH D009386, MONDO:0015356.

Allele frequency attached by ClinVar (database versions not stated): gnomAD 0.00003; TOPMed 0.00003; ExAC 0.00001; gnomAD exomes 0.00001 and 0.00002.
gnomAD v4.1: 32 of 1,607,456 alleles (0.002%); highest among the groups gnomAD compares: Non-Finnish European, 0.0025%; no homozygotes.

Submissions (5):

Labcorp Genetics (formerly Invitae), Labcorp
Classification: Uncertain significance for Neuroblastoma, susceptibility to, 3. Last evaluated: 2026-01-19. Review status: criteria provided, single submitter. Criteria: Invitae Variant Classification Sherloc (09022015). Collection method: clinical testing. Allele origin: germline.
Comment: This sequence change replaces proline, which is neutral and non-polar, with leucine, which is neutral and non-polar, at codon 40 of the ALK protein (p.Pro40Leu). This variant is present in population databases (rs200212200, gnomAD 0.007%). This variant has not been reported in the literature in individuals affected with ALK-related conditions. ClinVar contains an entry for this variant (Variation ID: 664464). An algorithm developed to predict the effect of missense changes on protein structure and function (PolyPhen-2) suggests that this variant is likely to be tolerated. In summary, the available evidence is currently insufficient to determine the role of this variant in disease. Therefore, it has been classified as a Variant of Uncertain Significance.

Ambry Genetics
Classification: Uncertain significance for Hereditary cancer-predisposing syndrome. Last evaluated: 2025-01-13. Review status: criteria provided, single submitter. Criteria: Ambry Variant Classification Scheme 2023. Collection method: clinical testing. Allele origin: germline.
Comment: The p.P40L variant (also known as c.119C>T), located in coding exon 1 of the ALK gene, results from a C to T substitution at nucleotide position 119. The proline at codon 40 is replaced by leucine, an amino acid with similar properties. This amino acid position is well conserved in available vertebrate species. In addition, the in silico prediction for this alteration is inconclusive. Based on the available evidence, the clinical significance of this variant remains unclear.

Blueprint Genetics
Classification: Uncertain significance. Last evaluated: 2024-09-04. Review status: criteria provided, single submitter. Criteria: ACMG Guidelines, 2015. Collection method: clinical testing. Allele origin: germline.

GeneDx
Classification: Uncertain significance. Last evaluated: 2024-04-03. Review status: criteria provided, single submitter. Criteria: GeneDx Variant Classification Process June 2021. Collection method: clinical testing. Allele origin: germline. Affected: yes.
Comment: Not observed at significant frequency in large population cohorts (gnomAD); In silico analysis supports that this missense variant does not alter protein structure/function; Has not been previously published as pathogenic or benign to our knowledge

Baylor Genetics
Classification: Uncertain significance for Neuroblastoma, susceptibility to, 3. Last evaluated: 2023-08-15. Review status: criteria provided, single submitter. Criteria: ACMG Guidelines, 2015. Collection method: clinical testing. Allele origin: unknown.

NM_004304.5(ALK):c.119C>T (p.Pro40Leu)

Gene: ALK (ALK receptor tyrosine kinase; minus strand). Cytogenetic location: 2p23.1.
Variant type: single nucleotide variant.
Coding change: c.119C>T on transcript NM_004304.5 (MANE Select); coding-DNA position 119, C replaced by T.
Protein change: p.Pro40Leu; replaces proline 40 with leucine.
Molecular consequence: missense variant.
Genome position (GRCh38, 1-based): chr2:29,920,541, G>A on the plus strand (C>T on the coding strand, the complement: ALK is on the minus strand). VCF-style: chr2-29920541-G-A. GRCh37 (hg19) VCF-style: chr2-30143407-G-A.
Other names: short protein forms P40L.
Identifiers: ClinVar variation 664464 (VCV000664464.13), dbSNP rs200212200, ClinGen allele CA1595043.